The following is an entry in ClinVar:

NM_032043.3(BRIP1):c.2300_2303del (p.Glu767fs)

Gene: BRIP1 (BRCA1 interacting DNA helicase 1; minus strand). Cytogenetic location: 17q23.2.
Variant type: Deletion.
Coding change: c.2300_2303del on transcript NM_032043.3 (MANE Select); coding-DNA positions 2300 to 2303, 4 bases deleted (AGGG; older notation c.2300_2303delAGGG).
Protein change: p.Glu767fs; shifts the reading frame from glutamic acid 767.
Molecular consequence: frameshift variant.
Genome position (GRCh38, 1-based): chr17:61,743,089-61,743,092, CCCT deleted on the plus strand (AGGG on the coding strand, the reverse complement: BRIP1 is on the minus strand); deleting any 4 consecutive bases within chr17:61,743,089-61,743,093 gives the same sequence; the c. name uses the placement nearest the transcript's 3' end. VCF-style (leftmost placement, unchanged base first): chr17-61743088-ACCCT-A. GRCh37 (hg19) VCF-style: chr17-59820449-ACCCT-A.
Other names: short protein forms E767fs.
Identifiers: ClinVar variation 1801610 (VCV001801610.2), dbSNP rs2544827171, ClinGen allele CA2580094466.

ClinVar aggregate classification (germline): Pathogenic. Review status: criteria provided, single submitter (1 of 4 stars). 2 submissions from 2 submitters: Pathogenic (1). 1 of the submissions does not count toward it. Last evaluated 2025-09-29.

Conditions:
Gastric cancer. Also called: Malignant tumor of stomach; Stomach cancer. Identifiers: MedGen C0024623, MeSH D013274, MONDO:0001056, OMIM 613659, HP:0012126.
Familial cancer of breast. Also called: Hereditary breast cancer; hereditary breast carcinoma; BREAST CANCER, FAMILIAL. Identifiers: Orphanet 227535, MedGen C0346153, MONDO:0016419, OMIM 114480. Disease mechanism: loss of function.

Submissions (2):

Myriad Genetics, Inc.
Classification: Pathogenic for Familial cancer of breast. Last evaluated: 2025-09-29. Review status: criteria provided, single submitter. Criteria: Myriad Autosomal Dominant, Autosomal Recessive and X-Linked Classification Criteria (2023). Collection method: clinical testing. Allele origin: unknown.
Comment: This variant is considered pathogenic. This variant creates a frameshift predicted to result in premature protein truncation.

Laboratory for Genotyping Development, RIKEN
Classification: Pathogenic for Gastric cancer. Last evaluated: 2021-07-01. Review status: no assertion criteria provided. Collection method: research. Allele origin: germline. Not counted in ClinVar's aggregate classification.

Literature cited by the submitters: PubMed 36988593 (cited by Laboratory for Genotyping Development, RIKEN).